The following is an entry in ClinVar:

ClinVar aggregate classification (germline): Uncertain significance. Review status: criteria provided, multiple submitters, no conflicts (2 of 4 stars). 4 submissions from 4 submitters: Uncertain significance (4). Last evaluated 2024-06-28.

Conditions:
Inborn genetic diseases. Identifiers: MedGen C0950123, MeSH D030342.
Glycogen storage disease due to muscle and heart glycogen synthase deficiency. Also called: GSD 0b; MUSCLE GLYCOGEN SYNTHASE DEFICIENCY. Identifiers: Orphanet 137625, MedGen C1969054, MONDO:0012693, OMIM 611556.

Allele frequency attached by ClinVar (database versions not stated): ExAC below 0.00001; gnomAD exomes 0.00003 and 0.00012; gnomAD 0.00005; TOPMed 0.00009; 1000 Genomes Project 30x 0.00016; 1000 Genomes Project 0.00020.
gnomAD v4.1: 175 of 1,545,110 alleles (0.011%); highest among the groups gnomAD compares: Non-Finnish European, 0.015%; no homozygotes.

Submissions (4):

Ambry Genetics
Classification: Uncertain significance for Inborn genetic diseases. Last evaluated: 2024-06-28. Review status: criteria provided, single submitter. Criteria: Ambry Variant Classification Scheme 2023. Collection method: clinical testing. Allele origin: germline.

Labcorp Genetics (formerly Invitae), Labcorp
Classification: Uncertain significance for Glycogen storage disease due to muscle and heart glycogen synthase deficiency. Last evaluated: 2022-07-19. Review status: criteria provided, single submitter. Criteria: Invitae Variant Classification Sherloc (09022015). Collection method: clinical testing. Allele origin: germline.
Comment: This sequence change replaces glutamic acid, which is acidic and polar, with lysine, which is basic and polar, at codon 679 of the GYS1 protein (p.Glu679Lys). The frequency data for this variant in the population databases is considered unreliable, as metrics indicate poor data quality at this position in the gnomAD database. This variant has not been reported in the literature in individuals affected with GYS1-related conditions. ClinVar contains an entry for this variant (Variation ID: 894150). Algorithms developed to predict the effect of missense changes on protein structure and function (SIFT, PolyPhen-2, Align-GVGD) all suggest that this variant is likely to be tolerated. In summary, the available evidence is currently insufficient to determine the role of this variant in disease. Therefore, it has been classified as a Variant of Uncertain Significance.

GeneDx
Classification: Uncertain significance. Last evaluated: 2022-07-07. Review status: criteria provided, single submitter. Criteria: GeneDx Variant Classification Process June 2021. Collection method: clinical testing. Allele origin: germline. Affected: yes.
Comment: Not observed at significant frequency in large population cohorts (gnomAD); In silico analysis supports that this missense variant does not alter protein structure/function; Has not been previously published as pathogenic or benign to our knowledge

Illumina Laboratory Services, Illumina
Classification: Uncertain significance for Glycogen storage disease due to muscle and heart glycogen synthase deficiency. Last evaluated: 2018-01-12. Review status: criteria provided, single submitter. Criteria: ICSL Variant Classification Criteria 13 December 2019. Collection method: clinical testing. Allele origin: germline.

NM_002103.5(GYS1):c.2035G>A (p.Glu679Lys)

Gene: GYS1 (glycogen synthase 1; minus strand). Cytogenetic location: 19q13.33.
Variant type: single nucleotide variant.
Coding change: c.2035G>A on transcript NM_002103.5 (MANE Select); coding-DNA position 2035, G replaced by A.
Protein change: p.Glu679Lys; replaces glutamic acid 679 with lysine.
Molecular consequence: missense variant. On other transcripts: non-coding transcript variant (1).
Genome position (GRCh38, 1-based): chr19:48,969,467, C>T on the plus strand (G>A on the coding strand, the complement: GYS1 is on the minus strand). VCF-style: chr19-48969467-C-T. GRCh37 (hg19) VCF-style: chr19-49472724-C-T.
Other names: c.1843G>A, p.Glu615Lys (NM_001161587.2); short protein forms E679K, E615K.
Identifiers: ClinVar variation 894150 (VCV000894150.11), dbSNP rs574739791, ClinGen allele CA9562713.